The following is an entry in ClinVar:

NM_020166.5(MCCC1):c.1508C>A (p.Ala503Glu)

Gene: MCCC1 (methylcrotonyl-CoA carboxylase subunit 1; minus strand). Cytogenetic location: 3q27.1.
Variant type: single nucleotide variant.
Coding change: c.1508C>A on transcript NM_020166.5 (MANE Select); coding-DNA position 1508, C replaced by A.
Protein change: p.Ala503Glu; replaces alanine 503 with glutamic acid.
Molecular consequence: missense variant. On other transcripts: non-coding transcript variant (1).
Genome position (GRCh38, 1-based): chr3:183,037,304, G>T on the plus strand (C>A on the coding strand, the complement: MCCC1 is on the minus strand). VCF-style: chr3-183037304-G-T. GRCh37 (hg19) VCF-style: chr3-182755092-G-T.
Other names: c.1157C>A, p.Ala386Glu (NM_001293273.2); c.1181C>A, p.Ala394Glu (NM_001363880.1); short protein forms A386E, A394E, A503E.
Identifiers: ClinVar variation 2104910 (VCV002104910.4), dbSNP rs2530128200, ClinGen allele CA355320383.

ClinVar aggregate classification (germline): Uncertain significance (1 of 4 stars; one submission).

Conditions:
3-methylcrotonyl-CoA carboxylase 1 deficiency (MCC1D). Also called: MCCD TYPE 1; MCC 1 deficiency; 3 Alpha methylcrotonylglycinuria 1; METHYLCROTONYLGLYCINURIA TYPE I. Identifiers: Orphanet 6, MedGen CN028786, MONDO:0008861, OMIM 210200.

Submission:

Labcorp Genetics (formerly Invitae), Labcorp
Classification: Uncertain significance for 3-methylcrotonyl-CoA carboxylase 1 deficiency. Last evaluated: 2023-07-21. Review status: criteria provided, single submitter. Criteria: Invitae Variant Classification Sherloc (09022015). Collection method: clinical testing. Allele origin: germline.
Comment: This sequence change replaces alanine, which is neutral and non-polar, with glutamic acid, which is acidic and polar, at codon 503 of the MCCC1 protein (p.Ala503Glu). This variant is not present in population databases (gnomAD no frequency). This variant has not been reported in the literature in individuals affected with MCCC1-related conditions. ClinVar contains an entry for this variant (Variation ID: 2104910). Advanced modeling of protein sequence and biophysical properties (such as structural, functional, and spatial information, amino acid conservation, physicochemical variation, residue mobility, and thermodynamic stability) performed at Invitae indicates that this missense variant is not expected to disrupt MCCC1 protein function. In summary, the available evidence is currently insufficient to determine the role of this variant in disease. Therefore, it has been classified as a Variant of Uncertain Significance.